The following is an entry in ClinVar:

ClinVar aggregate classification (germline): Pathogenic. Review status: criteria provided, multiple submitters, no conflicts (2 of 4 stars). 5 submissions from 5 submitters: Pathogenic (5). Last evaluated 2026-02-26.

Conditions:
NPHP1-related disorder. Also called: NPHP1-related condition; NPHP1-related disorders.
Nephronophthisis. Also called: Juvenile Nephronophthisis. Identifiers: Orphanet 655, MedGen C0687120, MONDO:0019005, HP:0000090.
Nephronophthisis 1 (NPHP1). Also called: Nephronophthisis familial juvenile. Identifiers: Orphanet 655, Orphanet 93592, MedGen C1855681, MONDO:0009728, OMIM 256100.
Senior-Loken syndrome 1 (SLSN1). Also called: JUVENILE NEPHRONOPHTHISIS WITH LEBER AMAUROSIS. Identifiers: Orphanet 3156, MedGen C4551559, MONDO:0009962, OMIM 266900.
Joubert syndrome with renal defect. Also called: JOUBERT SYNDROME 4. Identifiers: Orphanet 220497, MedGen C1846790, MONDO:0012308, OMIM 609583.

Submissions (5):

PreventionGenetics, part of Exact Sciences
Classification: Pathogenic for NPHP1-related condition. Last evaluated: 2026-02-26. Review status: criteria provided, single submitter. Criteria: ACMG Guidelines, 2015. Collection method: clinical testing. Allele origin: germline.
Comment: The NPHP1 c.84_87delTTCT variant is predicted to result in a frameshift and premature protein termination (p.Ser29Argfs*4). This variant has been reported in the homozygous or compound heterozygous state in several individuals with nephronophthisis or nephronophthisis-related ciliopathy (Table 2, Halbritter et al. 2013. PubMed ID: 23559409; Table S1, Petzold et al. 2023. PubMed ID: 37230223; Table 2, Jávorszky et al. 2017. PubMed ID: 28002029). This variant is reported in 0.0065% of alleles in individuals of European (Non-Finnish) descent in gnomAD. Frameshift variants in NPHP1 are expected to be pathogenic. This variant is interpreted as pathogenic.

Labcorp Genetics (formerly Invitae), Labcorp
Classification: Pathogenic for Nephronophthisis. Last evaluated: 2025-10-01. Review status: criteria provided, single submitter. Criteria: Invitae Variant Classification Sherloc (09022015). Collection method: clinical testing. Allele origin: germline.
Comment: This sequence change creates a premature translational stop signal (p.Ser29Argfs*4) in the NPHP1 gene. It is expected to result in an absent or disrupted protein product. Loss-of-function variants in NPHP1 are known to be pathogenic (PMID: 23559409). This variant is present in population databases (no rsID available, gnomAD 0.007%). This premature translational stop signal has been observed in individual(s) with nephronophthisis or nephronophthisis-related ciliopathy (PMID: 23559409, 28002029). ClinVar contains an entry for this variant (Variation ID: 2203131). For these reasons, this variant has been classified as Pathogenic.

Fulgent Genetics
Classification: Pathogenic for Nephronophthisis 1; Senior-Loken syndrome 1; Joubert syndrome with renal defect. Last evaluated: 2024-05-30. Review status: criteria provided, single submitter. Criteria: ACMG Guidelines, 2015. Collection method: clinical testing. Allele origin: germline.

Victorian Clinical Genetics Services, Murdoch Childrens Research Institute
Classification: Pathogenic for Nephronophthisis 1. Last evaluated: 2023-07-17. Review status: criteria provided, single submitter. Criteria: ACMG Guidelines, 2015. Collection method: clinical testing. Allele origin: germline. Inheritance: Autosomal recessive inheritance. Affected: yes.
Comment: Based on the classification scheme VCGS_Germline_v1.3.4, this variant is classified as Pathogenic. Following criteria are met: 0102 - Loss of function is a known mechanism of disease in this gene and is associated with Joubert syndrome 4 (MIM#609583), nephronophthisis 1, juvenile (MIM#256100) and Senior-Loken syndrome-1 (MIM#266900). (I) 0106 - This gene is associated with autosomal recessive disease. (I) 0204 - Variant is predicted to result in a truncated protein (premature termination codon is located within the first 102 nucleotides of the coding sequence and is predicted to escape nonsense-mediated decay (NMD)). (SP) 0253 - This variant is suspected hemizygous. A potential overlapping deletion has been detected. (I) 0304 - Variant is present in gnomAD (v2, v3) <0.01 for a recessive condition (1 heterozygote, 0 homozygotes). (SP) 0703 - Other 5’ NMD-escape variants comparable to the one identified in this case have moderate previous evidence for pathogenicity. These variants have been reported as pathogenic, and observed in at least one compound heterozygous individual with nephronophthisis (PMID: 16762963). (SP) 0802 - This variant has moderate previous evidence of pathogenicity in unrelated individuals. This variant has been reported as pathogenic (ClinVar), and observed in a compound heterozygous and a homozygous individual with nephronophthisis or nephronophthisis-related ciliopathy (PMID: 28002029, PMID: 23559409). (SP) 0905 - No published segregation evidence has been identified for this variant. (I) 1007 - No published functional evidence has been identified for this variant. (I) 1208 - Inheritance information for this variant is not currently available in this individual. (I) Legend: (SP) - Supporting pathogenic, (I) - Information, (SB) - Supporting benign

Blueprint Genetics
Classification: Pathogenic for NPHP1-related disorders. Last evaluated: 2022-11-15. Review status: criteria provided, single submitter. Criteria: ACMG Guidelines, 2015. Collection method: clinical testing. Allele origin: germline. Affected: yes. Observed: 3 variant alleles.

Literature cited by the submitters: PubMed 23559409 (cited by Labcorp Genetics (formerly Invitae), Labcorp and Victorian Clinical Genetics Services, Murdoch Childrens Research Institute); PubMed 28002029 (cited by Labcorp Genetics (formerly Invitae), Labcorp and Victorian Clinical Genetics Services, Murdoch Childrens Research Institute); PubMed 16762963 (cited by Victorian Clinical Genetics Services, Murdoch Childrens Research Institute).

NM_001128178.3(NPHP1):c.84_87del (p.Ser29fs)

Gene: NPHP1 (nephrocystin 1; minus strand). Cytogenetic location: 2q13.
Variant type: Deletion.
Coding change: c.84_87del on transcript NM_001128178.3 (MANE Select); coding-DNA positions 84 to 87, 4 bases deleted (TTCT; older notation c.84_87delTTCT).
Protein change: p.Ser29fs; shifts the reading frame from serine 29.
Molecular consequence: frameshift variant.
Genome position (GRCh38, 1-based): chr2:110,201,477-110,201,480, AGAA deleted on the plus strand (TTCT on the coding strand, the reverse complement: NPHP1 is on the minus strand); deleting any 4 consecutive bases within chr2:110,201,477-110,201,482 gives the same sequence; the c. name uses the placement nearest the transcript's 3' end. VCF-style (leftmost placement, unchanged base first): chr2-110201476-CAGAA-C. GRCh37 (hg19) VCF-style: chr2-110959053-CAGAA-C.
Other names: c.84_87del (NM_000272.4); c.84_87delTTCT (NM_000272.3, NM_001128178.1); c.84_87del, p.Ser29fs (NM_000272.5, NM_001128179.3, NM_001374256.1 and 2 more transcripts); short protein forms S29fs.
Identifiers: ClinVar variation 2203131 (VCV002203131.8), dbSNP rs1388373598, ClinGen allele CA535159437.
Genomic context (GRCh38, chr2:110,201,476, plus strand): 5'-TTTACCTTTGATAAATATGTTGTCTTTTATTGGGTTCTAGAGCTTCTTTCAGTTGGCTCT[CAGAA>C]AGCAAACTATCAACCTATGGAGACCATTTAAAATATCACATTATTAAATACCATATCGCC-3'